The following is an entry in ClinVar:

ClinVar aggregate classification (germline): Benign. Review status: criteria provided, multiple submitters, no conflicts (2 of 4 stars). 4 submissions from 4 submitters: Benign (4). Last evaluated 2026-10-01.

Allele frequency attached by ClinVar (database versions not stated): ESP Exome Variant Server 0.01062; gnomAD exomes 0.01425 and 0.00964; 1000 Genomes Project 30x 0.00265; 1000 Genomes Project 0.00319; TOPMed 0.00823; gnomAD 0.00945 and 0.00998; ExAC 0.00999.

Submissions (4):

CeGaT Center for Human Genetics Tuebingen
Classification: Benign. Last evaluated: 2026-10-01. Review status: criteria provided, single submitter. Criteria: CeGaT Center For Human Genetics Tuebingen Variant Classification Criteria Version 2. Collection method: clinical testing. Allele origin: germline. Affected: yes. Observed: 15 variant alleles.
Comment: CCNF: BP4, BS1, BS2

Mayo Clinic Laboratories, Mayo Clinic
Classification: Benign. Last evaluated: 2023-02-10. Review status: criteria provided, single submitter. Criteria: ACMG Guidelines, 2015. Collection method: clinical testing. Allele origin: germline. Observed: 16 variant alleles.
Comment: BS1, BS2, BP4

Labcorp Genetics (formerly Invitae), Labcorp
Classification: Benign. Last evaluated: 2019-12-31. Review status: criteria provided, single submitter. Criteria: Invitae Variant Classification Sherloc (09022015). Collection method: clinical testing. Allele origin: germline.

Breakthrough Genomics
Classification: Benign. Review status: criteria provided, single submitter. Criteria: ACMG Guidelines, 2015. Collection method: not provided. Allele origin: germline. Inheritance: Autosomal dominant inheritance. Affected: yes.

Literature cited by the submitters: PubMed 32409511 (cited by Mayo Clinic Laboratories, Mayo Clinic).

NM_001761.3(CCNF):c.2140G>A (p.Val714Met)

Genes: CCNF (cyclin F; plus strand), LOC105371050 (uncharacterized LOC105371050; minus strand). Cytogenetic location: 16p13.3.
Variant type: single nucleotide variant.
Coding change: c.2140G>A on transcript NM_001761.3 (MANE Select); coding-DNA position 2140, G replaced by A.
Protein change: p.Val714Met; replaces valine 714 with methionine.
Molecular consequence: missense variant.
Genome position (GRCh38, 1-based): chr16:2,456,799, G>A. VCF-style: chr16-2456799-G-A. GRCh37 (hg19) VCF-style: chr16-2506800-G-A.
Other names: p.Val714Met; c.1216G>A, p.Val406Met (NM_001323538.2); short protein forms V406M, V714M.
Identifiers: ClinVar variation 774504 (VCV000774504.29), dbSNP rs61755288, ClinGen allele CA7842835.
Genomic context (GRCh38, chr16:2,456,799, plus strand): 5'-GGGAAGGACGTCACGACCTCAGGGTACTCCTCCGTCAGCACCGCAAGTCCCACAAGCTCC[G>A]TGGACGGTGGCTTGGGGGCCCTGCCCCAACCTACCTCAGTGCTGTCCCTGGACAGTGACT-3'
Protein context (NP_001752.2, residues 704-724): SVSTASPTSS[Val714Met]DGGLGALPQP